The following is an entry in ClinVar:

ClinVar aggregate classification (germline): Uncertain significance (1 of 4 stars; one submission).

Allele frequency attached by ClinVar (database versions not stated): TOPMed 0.00001.

Submission:

Labcorp Genetics (formerly Invitae), Labcorp
Classification: Uncertain significance. Last evaluated: 2022-08-16. Review status: criteria provided, single submitter. Criteria: Invitae Variant Classification Sherloc (09022015). Collection method: clinical testing. Allele origin: germline.
Comment: In summary, the available evidence is currently insufficient to determine the role of this variant in disease. Therefore, it has been classified as a Variant of Uncertain Significance. Algorithms developed to predict the effect of missense changes on protein structure and function are either unavailable or do not agree on the potential impact of this missense change (SIFT: "Tolerated"; PolyPhen-2: "Possibly Damaging"; Align-GVGD: "Class C0"). ClinVar contains an entry for this variant (Variation ID: 1362968). This variant has not been reported in the literature in individuals affected with TTC37-related conditions. This variant is not present in population databases (gnomAD no frequency). This sequence change replaces glutamine, which is neutral and polar, with arginine, which is basic and polar, at codon 958 of the TTC37 protein (p.Gln958Arg).

NM_014639.4(SKIC3):c.2873A>G (p.Gln958Arg)

Gene: SKIC3 (SKI3 subunit of superkiller complex; minus strand). Cytogenetic location: 5q15.
Variant type: single nucleotide variant.
Coding change: c.2873A>G on transcript NM_014639.4 (MANE Select); coding-DNA position 2873, A replaced by G.
Protein change: p.Gln958Arg; replaces glutamine 958 with arginine.
Molecular consequence: missense variant.
Genome position (GRCh38, 1-based): chr5:95,512,524, T>C on the plus strand (A>G on the coding strand, the complement: SKIC3 is on the minus strand). VCF-style: chr5-95512524-T-C. GRCh37 (hg19) VCF-style: chr5-94848228-T-C.
Other names: short protein forms Q958R.
Identifiers: ClinVar variation 1362968 (VCV001362968.6), dbSNP rs1747192669, ClinGen allele CA360455356.